The following is an entry in ClinVar:

NM_175614.5(NDUFA11):c.30G>T (p.Trp10Cys)

Genes: NDUFA11 (NADH:ubiquinone oxidoreductase subunit A11; minus strand), LOC112552175 (Sharpr-MPRA regulatory region 9916; plus strand). Cytogenetic location: 19p13.3.
Variant type: single nucleotide variant.
Coding change: c.30G>T on transcript NM_175614.5 (MANE Select); coding-DNA position 30, G replaced by T.
Protein change: p.Trp10Cys; replaces tryptophan 10 with cysteine.
Molecular consequence: missense variant. On other transcripts: non-coding transcript variant (1).
Genome position (GRCh38, 1-based): chr19:5,903,679, C>A on the plus strand (G>T on the coding strand, the complement: NDUFA11 is on the minus strand). VCF-style: chr19-5903679-C-A. GRCh37 (hg19) VCF-style: chr19-5903690-C-A.
Other names: p.W10C:TGG>TGT; c.30G>T, p.Trp10Cys (NM_001193375.3); short protein forms W10C.
Identifiers: ClinVar variation 214693 (VCV000214693.2), dbSNP rs375356874, ClinGen allele CA323797.

ClinVar aggregate classification (germline): Uncertain significance (1 of 4 stars; one submission).

Allele frequency attached by ClinVar (database versions not stated): gnomAD exomes below 0.00001 and 0.00001; TOPMed 0.00002; gnomAD 0.00003; ESP Exome Variant Server 0.00009.
gnomAD v4.1: 5 of 1,551,444 alleles (0.00032%); highest among the groups gnomAD compares: African/African-American, 0.0068%; no homozygotes.

Submission:

GeneDx
Classification: Uncertain significance. Last evaluated: 2014-08-01. Review status: criteria provided, single submitter. Criteria: GeneDx Variant Classification (06012015). Collection method: clinical testing. Allele origin: germline. Affected: yes.
Comment: p.Trp10Cys (TGG>TGT): c.30 G>T in exon 1 of the NDUFA11 gene (NM_175614.2). The W10C variant has not been published as a mutation, nor has it been reported as a benign polymorphism to our knowledge. The W10C variant is a non-conservative amino acid substitution, which is likely to impact secondary protein structure as these residues differ in polarity, charge, size and/or other properties. This substitution occurs at a position that is not conserved across species. In silico analysis is inconsistent in its predictions as to whether or not the variant is damaging to the protein structure/function. Therefore, based on the currently available information, it is unclear whether this variant is a pathogenic mutation or a rare benign variant. The variant is found in MITONUC-MITOP panel(s).